The following is an entry in ClinVar:

ClinVar aggregate classification (germline): Uncertain significance (1 of 4 stars; one submission).

Conditions:
Supravalvar aortic stenosis (SVAS). Also called: Supravalvar aortic stenosis, Eisenberg type. Identifiers: Orphanet 3193, MedGen C0003499, MONDO:0008504, OMIM 185500, HP:0004381.

Allele frequency attached by ClinVar (database versions not stated): gnomAD exomes below 0.00001.
gnomAD v4.1: 2 of 1,606,440 alleles (0.00012%); highest among the groups gnomAD compares: Non-Finnish European, 0.00017%; no homozygotes.

Submission:

Labcorp Genetics (formerly Invitae), Labcorp
Classification: Uncertain significance for Supravalvar aortic stenosis. Last evaluated: 2022-07-13. Review status: criteria provided, single submitter. Criteria: Invitae Variant Classification Sherloc (09022015). Collection method: clinical testing. Allele origin: germline.
Comment: In summary, the available evidence is currently insufficient to determine the role of this variant in disease. Therefore, it has been classified as a Variant of Uncertain Significance. Algorithms developed to predict the effect of missense changes on protein structure and function are either unavailable or do not agree on the potential impact of this missense change (SIFT: "Deleterious"; PolyPhen-2: "Not Available"; Align-GVGD: "Class C0"). This variant has not been reported in the literature in individuals affected with ELN-related conditions. This variant is not present in population databases (gnomAD no frequency). This sequence change replaces proline, which is neutral and non-polar, with leucine, which is neutral and non-polar, at codon 677 of the ELN protein (p.Pro677Leu).

NM_000501.4(ELN):c.1844C>T (p.Pro615Leu)

Gene: ELN (elastin; plus strand). Cytogenetic location: 7q11.23.
Variant type: single nucleotide variant.
Coding change: c.1844C>T on transcript NM_000501.4 (MANE Select); coding-DNA position 1844, C replaced by T.
Protein change: p.Pro615Leu; replaces proline 615 with leucine.
Molecular consequence: missense variant.
Genome position (GRCh38, 1-based): chr7:74,063,210, C>T. VCF-style: chr7-74063210-C-T. GRCh37 (hg19) VCF-style: chr7-73477540-C-T.
Other names: c.1757C>T, p.Pro586Leu (NM_001081752.3); c.1802C>T, p.Pro601Leu (NM_001081753.3); c.1859C>T, p.Pro620Leu (NM_001081754.3); c.1787C>T, p.Pro596Leu (NM_001081755.3); c.1844C>T, p.Pro615Leu (NM_001278912.2); c.1601C>T, p.Pro534Leu (NM_001278913.2); c.1772C>T, p.Pro591Leu (NM_001278914.2); c.1862C>T, p.Pro621Leu (NM_001278915.2); and 4 more; short protein forms P567L, P605L, P615L, P620L, P677L, P534L, P596L, P526L.
Identifiers: ClinVar variation 2007542 (VCV002007542.4), dbSNP rs2486515161, ClinGen allele CA367889520.